The following is an entry in ClinVar:

ClinVar aggregate classification (germline): Uncertain significance (1 of 4 stars; one submission).

Conditions:
SEMA3A-related disorder. Also called: SEMA3A-related condition.

Submission:

PreventionGenetics, part of Exact Sciences
Classification: Uncertain significance for SEMA3A-related condition. Last evaluated: 2026-06-16. Review status: criteria provided, single submitter. Criteria: ACMG Guidelines, 2015. Collection method: clinical testing. Allele origin: germline.
Comment: The SEMA3A c.718G>T variant is predicted to result in the amino acid substitution p.Asp240Tyr. To our knowledge, this variant has not been reported in the literature or in a large population database (gnomAD), indicating this variant is rare. At this time, the clinical significance of this variant is uncertain due to the absence of conclusive functional and genetic evidence.

NM_006080.3(SEMA3A):c.718G>T (p.Asp240Tyr)

Gene: SEMA3A (semaphorin 3A; minus strand). Cytogenetic location: 7q21.11.
Variant type: single nucleotide variant.
Coding change: c.718G>T on transcript NM_006080.3 (MANE Select); coding-DNA position 718, G replaced by T.
Protein change: p.Asp240Tyr; replaces aspartic acid 240 with tyrosine.
Molecular consequence: missense variant.
Genome position (GRCh38, 1-based): chr7:84,014,301, C>A on the plus strand (G>T on the coding strand, the complement: SEMA3A is on the minus strand). VCF-style: chr7-84014301-C-A. GRCh37 (hg19) VCF-style: chr7-83643617-C-A.
Other names: short protein forms D240Y.
Identifiers: ClinVar variation 4996135 (VCV004996135.1).